The following is an entry in ClinVar:

ClinVar aggregate classification (germline): Uncertain significance. Review status: criteria provided, multiple submitters, no conflicts (2 of 4 stars). 2 submissions from 2 submitters: Uncertain significance (2). Last evaluated 2025-04-17.

Conditions:
Hereditary breast ovarian cancer syndrome. Also called: Hereditary breast and ovarian cancer; Hereditary breast and ovarian cancer syndrome; Breast and ovarian cancer; BRCA1- and BRCA2-Associated Hereditary Breast and Ovarian Cancer; Hereditary breast and ovarian cancer syndrome (HBOC); Hereditary breast and/or ovarian cancer syndrome. Identifiers: Orphanet 145, MedGen C0677776, MeSH D061325, MONDO:0003582. Disease mechanism: loss of function.
Hereditary cancer-predisposing syndrome. Also called: Tumor predisposition; Hereditary Cancer Syndrome; Hereditary neoplastic syndrome; Neoplastic Syndromes, Hereditary. Identifiers: Orphanet 140162, MedGen C0027672, MeSH D009386, MONDO:0015356.

Submissions (2):

Ambry Genetics
Classification: Uncertain significance for Hereditary cancer-predisposing syndrome. Last evaluated: 2025-04-17. Review status: criteria provided, single submitter. Criteria: Ambry Variant Classification Scheme 2023. Collection method: clinical testing. Allele origin: germline.
Comment: The p.S3291P variant (also known as c.9871T>C), located in coding exon 26 of the BRCA2 gene, results from a T to C substitution at nucleotide position 9871. The serine at codon 3291 is replaced by proline, an amino acid with similar properties. This amino acid position is highly conserved in available vertebrate species. In addition, the in silico prediction for this alteration is inconclusive. Based on the available evidence, the clinical significance of this variant remains unclear.

Labcorp Genetics (formerly Invitae), Labcorp
Classification: Uncertain significance for Hereditary breast ovarian cancer syndrome. Last evaluated: 2023-03-01. Review status: criteria provided, single submitter. Criteria: Invitae Variant Classification Sherloc (09022015). Collection method: clinical testing. Allele origin: germline.
Comment: In summary, the available evidence is currently insufficient to determine the role of this variant in disease. Therefore, it has been classified as a Variant of Uncertain Significance. Advanced modeling of protein sequence and biophysical properties (such as structural, functional, and spatial information, amino acid conservation, physicochemical variation, residue mobility, and thermodynamic stability) performed at Invitae indicates that this missense variant is not expected to disrupt BRCA2 protein function. This variant has not been reported in the literature in individuals affected with BRCA2-related conditions. This variant is not present in population databases (gnomAD no frequency). This sequence change replaces serine, which is neutral and polar, with proline, which is neutral and non-polar, at codon 3291 of the BRCA2 protein (p.Ser3291Pro).

NM_000059.4(BRCA2):c.9871T>C (p.Ser3291Pro)

Gene: BRCA2 (BRCA2 DNA repair associated; plus strand). Cytogenetic location: 13q13.1.
Variant type: single nucleotide variant.
Coding change: c.9871T>C on transcript NM_000059.4 (MANE Select); coding-DNA position 9871, T replaced by C.
Protein change: p.Ser3291Pro; replaces serine 3291 with proline.
Molecular consequence: missense variant. On other transcripts: non-coding transcript variant (1).
Genome position (GRCh38, 1-based): chr13:32,398,384, T>C. VCF-style: chr13-32398384-T-C. GRCh37 (hg19) VCF-style: chr13-32972521-T-C.
Other names: c.9775T>C, p.Ser3259Pro (NM_001406719.1); c.9820T>C, p.Ser3274Pro (NM_001406720.1); c.4939T>C, p.Ser1647Pro (NM_001406721.1); c.3454T>C, p.Ser1152Pro (NM_001406722.1); short protein forms S3259P, S3274P, S3291P, S1152P, S1647P.
Identifiers: ClinVar variation 2814454 (VCV002814454.4), dbSNP rs1593201942, ClinGen allele CA387766651.